The following is an entry in ClinVar:

ClinVar aggregate classification (germline): Uncertain significance. Review status: criteria provided, multiple submitters, no conflicts (2 of 4 stars). 4 submissions from 4 submitters: Uncertain significance (4). Last evaluated 2025-04-06.

Conditions:
Familial thoracic aortic aneurysm and aortic dissection (TAAD). Also called: Thoracic aortic aneurysms and dissections. Identifiers: Orphanet 91387, MedGen C4707243, MONDO:0019625.
Aortic aneurysm, familial thoracic 4 (AAT4). Also called: AORTIC ANEURYSM/AORTIC DISSECTION AND PATENT DUCTUS ARTERIOSUS. Identifiers: MedGen C1851504, MONDO:0007568, OMIM 132900.

Submissions (4):

Ambry Genetics
Classification: Uncertain significance for Familial thoracic aortic aneurysm and aortic dissection. Last evaluated: 2025-04-06. Review status: criteria provided, single submitter. Criteria: Ambry Variant Classification Scheme 2023. Collection method: clinical testing. Allele origin: germline.

Color Diagnostics, LLC DBA Color Health
Classification: Uncertain significance for Familial thoracic aortic aneurysm and aortic dissection. Last evaluated: 2024-03-06. Review status: criteria provided, single submitter. Criteria: ACMG Guidelines, 2015. Collection method: clinical testing. Allele origin: germline.
Comment: This missense variant replaces glutamic acid with aspartic acid at codon 1370 of the MYH11 protein. Computational prediction is inconclusive regarding the impact of this variant on protein structure and function (internally defined REVEL score threshold 0.5 < inconclusive < 0.7, PMID: 27666373). Splice site prediction tools suggest that this variant may not impact RNA splicing. To our knowledge, functional studies have not been performed for this variant. This variant has not been reported in individuals affected with cardiovascular disorders in the literature. This variant has not been identified in the general population by the Genome Aggregation Database (gnomAD). The available evidence is insufficient to determine the role of this variant in disease conclusively. Therefore, this variant is classified as a Variant of Uncertain Significance.

All of Us Research Program, National Institutes of Health
Classification: Uncertain significance for Familial thoracic aortic aneurysm and aortic dissection. Last evaluated: 2023-12-01. Review status: criteria provided, single submitter. Criteria: ACMG Guidelines, 2015. Collection method: clinical testing. Allele origin: germline. Inheritance: Autosomal dominant inheritance. Observed: 1 variant allele, 1 heterozygote.
Comment: This missense variant replaces glutamic acid with aspartic acid at codon 1370 of the MYH11 protein. Computational prediction is inconclusive regarding the impact of this variant on protein structure and function (internally defined REVEL score threshold 0.5 < inconclusive < 0.7, PMID: 27666373). Splice site prediction tools suggest that this variant may not impact RNA splicing. To our knowledge, functional studies have not been performed for this variant. This variant has not been reported in individuals affected with cardiovascular disorders in the literature. This variant has not been identified in the general population by the Genome Aggregation Database (gnomAD). The available evidence is insufficient to determine the role of this variant in disease conclusively. Therefore, this variant is classified as a Variant of Uncertain Significance.

This study involves interpretation of variants in research participants for the purpose of population health screening. Participant phenotype was not available at the time of variant classification. Additional details can be found in publication PMID: 35346344, PMCID: PMC8962531

Labcorp Genetics (formerly Invitae), Labcorp
Classification: Uncertain significance for Aortic aneurysm, familial thoracic 4. Last evaluated: 2021-09-01. Review status: criteria provided, single submitter. Criteria: Invitae Variant Classification Sherloc (09022015). Collection method: clinical testing. Allele origin: germline.
Comment: This sequence change replaces glutamic acid with aspartic acid at codon 1370 of the MYH11 protein (p.Glu1370Asp). The glutamic acid residue is highly conserved and there is a small physicochemical difference between glutamic acid and aspartic acid. This variant is not present in population databases (ExAC no frequency). This variant has not been reported in the literature in individuals affected with MYH11-related conditions. Algorithms developed to predict the effect of missense changes on protein structure and function (SIFT, PolyPhen-2, Align-GVGD) all suggest that this variant is likely to be disruptive. In summary, the available evidence is currently insufficient to determine the role of this variant in disease. Therefore, it has been classified as a Variant of Uncertain Significance.

NM_002474.3(MYH11):c.4089G>T (p.Glu1363Asp)

Genes: MYH11 (myosin heavy chain 11; minus strand), NDE1 (nudE neurodevelopment protein 1; plus strand). Cytogenetic location: 16p13.11.
Variant type: single nucleotide variant.
Coding change: c.4089G>T on transcript NM_002474.3 (MANE Select); coding-DNA position 4089, G replaced by T.
Protein change: p.Glu1363Asp; replaces glutamic acid 1363 with aspartic acid.
Molecular consequence: missense variant. On other transcripts: 3 prime UTR variant (2).
Genome position (GRCh38, 1-based): chr16:15,724,674, C>A on the plus strand (G>T on the coding strand, the complement: MYH11 is on the minus strand). VCF-style: chr16-15724674-C-A. GRCh37 (hg19) VCF-style: chr16-15818531-C-A.
Other names: c.4089G>T (NM_002474.2); c.4110G>T, p.Glu1370Asp (NM_001040113.2, NM_001040114.2); c.4089G>T, p.Glu1363Asp (NM_022844.3); c.*423C>A (NM_001143979.2, NM_017668.3); short protein forms E1370D, E1363D.
Identifiers: ClinVar variation 568320 (VCV000568320.11), dbSNP rs748585013, ClinGen allele CA394857854.